The following is an entry in ClinVar:

ClinVar aggregate classification (germline): Uncertain significance (1 of 4 stars; one submission).

Conditions:
Cardiovascular phenotype. Identifiers: MedGen CN230736.

Allele frequency attached by ClinVar (database versions not stated): TOPMed below 0.00001; ExAC 0.00001; gnomAD 0.00001.
gnomAD v4.1: 1 of 1,442,840 alleles (0.000069%); highest among the groups gnomAD compares: African/African-American, 0.0017%; no homozygotes.

Submission:

Ambry Genetics
Classification: Uncertain significance for Cardiovascular phenotype. Last evaluated: 2023-03-15. Review status: criteria provided, single submitter. Criteria: Ambry Variant Classification Scheme 2023. Collection method: clinical testing. Allele origin: germline.
Comment: The p.L1336H variant (also known as c.4007T>A), located in coding exon 14 of the AKAP9 gene, results from a T to A substitution at nucleotide position 4007. The leucine at codon 1336 is replaced by histidine, an amino acid with similar properties. This amino acid position is well conserved in available vertebrate species. In addition, this alteration is predicted to be tolerated by in silico analysis. The evidence for this gene-disease relationship is limited; therefore, the clinical significance of this alteration is unclear.

NM_005751.5(AKAP9):c.4007T>A (p.Leu1336His)

Gene: AKAP9 (A-kinase anchoring protein 9; plus strand). Cytogenetic location: 7q21.2.
Variant type: single nucleotide variant.
Coding change: c.4007T>A on transcript NM_005751.5 (MANE Select); coding-DNA position 4007, T replaced by A.
Protein change: p.Leu1336His; replaces leucine 1336 with histidine.
Molecular consequence: missense variant.
Genome position (GRCh38, 1-based): chr7:92,022,868, T>A. VCF-style: chr7-92022868-T-A. GRCh37 (hg19) VCF-style: chr7-91652182-T-A.
Other names: c.4007T>A, p.Leu1336His (NM_147185.3); short protein forms L1336H.
Identifiers: ClinVar variation 2449797 (VCV002449797.3), dbSNP rs74746725, ClinGen allele CA4336459.